The following is an entry in ClinVar:

ClinVar aggregate classification (germline): Uncertain significance (1 of 4 stars; one submission).

Conditions:
Neuroblastoma, susceptibility to, 3. Also called: ALK-Related Neuroblastic Tumor Susceptibility. Identifiers: Orphanet 635, MedGen C2751681, MONDO:0013083, OMIM 613014.

Submission:

Labcorp Genetics (formerly Invitae), Labcorp
Classification: Uncertain significance for Neuroblastoma, susceptibility to, 3. Last evaluated: 2022-03-22. Review status: criteria provided, single submitter. Criteria: Invitae Variant Classification Sherloc (09022015). Collection method: clinical testing. Allele origin: germline.
Comment: In summary, the available evidence is currently insufficient to determine the role of this variant in disease. Therefore, it has been classified as a Variant of Uncertain Significance. Algorithms developed to predict the effect of missense changes on protein structure and function (SIFT, PolyPhen-2, Align-GVGD) all suggest that this variant is likely to be disruptive. This variant has not been reported in the literature in individuals affected with ALK-related conditions. This variant is not present in population databases (gnomAD no frequency). This sequence change replaces threonine, which is neutral and polar, with serine, which is neutral and polar, at codon 697 of the ALK protein (p.Thr697Ser).

NM_004304.5(ALK):c.2089A>T (p.Thr697Ser)

Gene: ALK (ALK receptor tyrosine kinase; minus strand). Cytogenetic location: 2p23.2.
Variant type: single nucleotide variant.
Coding change: c.2089A>T on transcript NM_004304.5 (MANE Select); coding-DNA position 2089, A replaced by T.
Protein change: p.Thr697Ser; replaces threonine 697 with serine.
Molecular consequence: missense variant.
Genome position (GRCh38, 1-based): chr2:29,251,220, T>A on the plus strand (A>T on the coding strand, the complement: ALK is on the minus strand). VCF-style: chr2-29251220-T-A. GRCh37 (hg19) VCF-style: chr2-29474086-T-A.
Other names: short protein forms T697S.
Identifiers: ClinVar variation 2115778 (VCV002115778.4), dbSNP rs1199322209, ClinGen allele CA346477096.